The following is an entry in ClinVar:

ClinVar aggregate classification (germline): Benign/Likely benign. Review status: criteria provided, multiple submitters, no conflicts (2 of 4 stars). 4 submissions from 3 submitters: Benign (1); Likely benign (3). Last evaluated 2018-06-23.

Conditions:
Dilated cardiomyopathy 1X (CMD1X). Also called: FKTN-Related Dilated Cardiomyopathy; CARDIOMYOPATHY, DILATED, WITH MILD OR NO PROXIMAL MUSCLE WEAKNESS. Identifiers: Orphanet 154, MedGen C1969024, MONDO:0012704, OMIM 611615.
Muscular dystrophy-dystroglycanopathy (congenital with brain and eye anomalies), type A, 4 (MDDGA4). Also called: WALKER-WARBURG SYNDROME OR MUSCLE-EYE-BRAIN DISEASE, FKTN-RELATED; Walker-Warburg Syndrome, Fktn-Related; Congenital muscular dystrophy-dystroglycanopathy with brain and eye anomalies, type A4; Muscular dystrophy, congenital progressive, with mental retardation; Muscular dystrophy, congenital, with central nervous system involvement; Cerebromuscular dystrophy, Fukuyama type. Identifiers: Orphanet 272, Orphanet 588, Orphanet 899, MedGen C0410174, MONDO:0009678, OMIM 253800.

Allele frequency attached by ClinVar (database versions not stated): 1000 Genomes Project 0.16693; 1000 Genomes Project 30x 0.16974; gnomAD exomes 0.25000; TOPMed 0.25950; gnomAD 0.26295 and 0.27121.
gnomAD v4.1: 39,948 of 151,944 alleles (26%); highest among the groups gnomAD compares: Non-Finnish European, 31%; 5,531 homozygotes.

Submissions (4):

GeneDx
Classification: Benign. Last evaluated: 2018-06-23. Review status: criteria provided, single submitter. Criteria: GeneDx Variant Classification Process June 2021. Collection method: clinical testing. Allele origin: germline. Affected: yes.

Illumina Laboratory Services, Illumina
Classification: Likely benign for Muscular dystrophy-dystroglycanopathy (congenital with brain and eye anomalies), type A, 4. Last evaluated: 2017-04-27. Review status: criteria provided, single submitter. Criteria: ICSL Variant Classification Criteria 13 December 2019. Collection method: clinical testing. Allele origin: germline.
Comment: This variant was observed as part of a predisposition screen in an ostensibly healthy population. A literature search was performed for the gene, cDNA change, and amino acid change (where applicable). No publications were found based on this search. Allele frequency data from public databases allowed determination this variant is unlikely to cause disease. Therefore, this variant is classified as likely benign.

Illumina Laboratory Services, Illumina
Classification: Likely benign for Dilated cardiomyopathy 1X. Last evaluated: 2017-04-27. Review status: criteria provided, single submitter. Criteria: ICSL Variant Classification Criteria 13 December 2019. Collection method: clinical testing. Allele origin: germline.
Comment: the same text as in the submission from Illumina Laboratory Services, Illumina above.

Breakthrough Genomics
Classification: Likely benign. Review status: criteria provided, single submitter. Criteria: ACMG Guidelines, 2015. Collection method: not provided. Allele origin: germline. Inheritance: Autosomal recessive inheritance. Affected: yes.

NM_001079802.2(FKTN):c.-158G>C

Gene: FKTN (fukutin; plus strand). Cytogenetic location: 9q31.2.
Variant type: single nucleotide variant.
Coding change: c.-158G>C on transcript NM_001079802.2 (MANE Select); 158 bases upstream of the start codon, G replaced by C.
Molecular consequence: 5 prime UTR variant. On other transcripts: intron variant (3), non-coding transcript variant (1).
Genome position (GRCh38, 1-based): chr9:105,573,677, G>C. VCF-style: chr9-105573677-G-C. GRCh37 (hg19) VCF-style: chr9-108335958-G-C.
Other names: c.-88-1268G>C (NM_001351498.2, NM_006731.2); c.-158G>C (NM_001198963.2); c.-293G>C (NM_001351496.2); c.-460G>C (NM_001351497.2); c.-807G>C (NM_001351499.2); c.-672G>C (NM_001351500.2); c.-753G>C (NM_001351502.2); c.-602-1268G>C (NM_001351501.2).
Identifiers: ClinVar variation 364484 (VCV000364484.9), dbSNP rs4742953, ClinGen allele CA10632110.